The following is an entry in ClinVar:

ClinVar aggregate classification (germline): Uncertain significance (1 of 4 stars; one submission).

Submission:

GeneDx
Classification: Uncertain significance. Last evaluated: 2024-07-08. Review status: criteria provided, single submitter. Criteria: GeneDx Variant Classification Process June 2021. Collection method: clinical testing. Allele origin: germline. Affected: yes.
Comment: Not observed at significant frequency in large population cohorts (gnomAD); In silico analysis indicates that this missense variant does not alter protein structure/function; Has not been previously published as pathogenic or benign to our knowledge

NM_000404.4(GLB1):c.376A>C (p.Ile126Leu)

Gene: GLB1 (galactosidase beta 1; minus strand). Cytogenetic location: 3p22.3.
Variant type: single nucleotide variant.
Coding change: c.376A>C on transcript NM_000404.4 (MANE Select); coding-DNA position 376, A replaced by C.
Protein change: p.Ile126Leu; replaces isoleucine 126 with leucine.
Molecular consequence: missense variant. On other transcripts: intron variant (1).
Genome position (GRCh38, 1-based): chr3:33,068,840, T>G on the plus strand (A>C on the coding strand, the complement: GLB1 is on the minus strand). VCF-style: chr3-33068840-T-G. GRCh37 (hg19) VCF-style: chr3-33110332-T-G.
Other names: c.286A>C, p.Ile96Leu (NM_001079811.3); c.520A>C, p.Ile174Leu (NM_001317040.2); c.376A>C, p.Ile126Leu (NM_001393580.1); c.246-3283A>C (NM_001135602.3); short protein forms I126L, I174L, I96L.
Identifiers: ClinVar variation 3572598 (VCV003572598.1).